The following continues an entry in ClinVar:

NM_003560.4(PLA2G6):c.1799G>A (p.Arg600Gln)

Gene: PLA2G6. ClinVar aggregate classification (germline): Pathogenic/Likely pathogenic. Pathogenic (9); Likely pathogenic (6).

Submissions 9 to 16 of 16:

Ambry Genetics
Classification: Pathogenic for Inborn genetic diseases. Last evaluated: 2021-12-17. Review status: criteria provided, single submitter. Criteria: Ambry Variant Classification Scheme 2023. Collection method: clinical testing. Allele origin: germline.
Comment: The c.1799G>A (p.R600Q) alteration is located in exon 13 (coding exon 12) of the PLA2G6 gene. This alteration results from a G to A substitution at nucleotide position 1799, causing the arginine (R) at amino acid position 600 to be replaced by a glutamine (Q). Based on data from gnomAD, the A allele has an overall frequency of <0.01% (11/282490) total alleles studied. The highest observed frequency was 0.02% (6/24928) of African alleles. This alteration has been reported in the homozygous and compound heterozygous states in individuals with PLA2G6-associated neurodegeneration (Davids, 2016; Pais&aacute;n-Ruiz, 2012; Toth-Bencsik, 2021). This alteration is predicted to be deleterious by in silico analysis. Based on the available evidence, this alteration is classified as pathogenic.

Johns Hopkins Genomics, Johns Hopkins University
Classification: Likely pathogenic for Neurodegeneration with brain iron accumulation 2B. Last evaluated: 2020-03-06. Review status: criteria provided, single submitter. Criteria: ACMG Guidelines, 2015. Collection method: clinical testing. Allele origin: germline.
Comment: PLA2G6 c.1799G>A (rs149712244) is rare (<0.1%) in a large population dataset (gnomAD: 11/282490 total alleles; 0.0039%; no homozygotes). Four submitters in ClinVar classify this variant as either likely pathogenic or pathogenic (Variation ID: 159748). Three bioinformatics tools queried predict that this substitution would be deleterious. Additionally, bioinformatic analysis predicts that this variant would create a cryptic splice acceptor site in exon 13, which may cause abnormal gene splicing. However, this has not been confirmed experimentally to our knowledge. The arginine residue at this position is conserved across all species accessed. We consider the c.1799G>A variant to be likely pathogenic.

Institute of Human Genetics Munich, TUM University Hospital
Classification: Pathogenic for Neurodegeneration with brain iron accumulation 2B. Last evaluated: 2017-11-15. Review status: criteria provided, single submitter. Criteria: Classification criteria August 2017. Collection method: clinical testing. Allele origin: inherited, maternal. Inheritance: Autosomal recessive inheritance. Affected: yes. Observed: 1 compound heterozygote, 1 homozygote.

Knight Diagnostic Laboratories, Oregon Health and Sciences University
Classification: Likely pathogenic. Last evaluated: 2016-06-17. Review status: criteria provided, single submitter. Criteria: ACMG Guidelines, 2015. Collection method: clinical testing. Allele origin: germline. Observed: 1 variant allele.

Genetic Services Laboratory, University of Chicago
Classification: Pathogenic for iron accumulation in brain. Last evaluated: 2013-02-08. Review status: criteria provided, single submitter. Criteria: ACMG Guidelines, 2007. Collection method: clinical testing. Allele origin: germline. Inheritance: Autosomal recessive inheritance. Affected: yes.

Neuberg Centre For Genomic Medicine, NCGM
Classification: Likely pathogenic for Infantile osteopetrosis with neuroaxonal dysplasia. Review status: criteria provided, single submitter. Criteria: ACMG Guidelines, 2015. Collection method: clinical testing. Allele origin: germline. Inheritance: Autosomal recessive inheritance. Affected: yes.
Comment: The missense variant c.1799G>A(p.Arg600Gln) variant has been reported in individuals affected with Infantile neuroaxonal dystrophy 1 and related disorders(Coro et. al., 2012; Davids et. al., 2016; Paisán-Ruiz, Coro et al., 2012). This variant has been reported to the ClinVar database as Pathogenic/Likely Pathogenic. The p.Arg600Gln variant is novel (not in any individuals) in 1000 Genomes and has allele frequency of 0.003894% in gnomAD database. The amino acid change p.Arg600Gln in PLA2G6 is predicted as conserved by GERP++ and PhyloP across 100 vertebrates. The amino acid Arg at position 600 is changed to a Gln changing protein sequence and it might alter its composition and physico-chemical properties. In summary, the currently available evidence indicates that the variant is pathogenic, but additional data are needed to prove that conclusively. For these reasons, this variant has been classified as Likely Pathogenic.

Neuberg Centre For Genomic Medicine, NCGM
Classification: Pathogenic for Infantile neuroaxonal dystrophy. Review status: criteria provided, single submitter. Criteria: ACMG Guidelines, 2015. Collection method: clinical testing. Allele origin: germline. Inheritance: Autosomal recessive inheritance. Affected: yes.
Comment: The missense variant p.R600Q in PLA2G6 (NM_003560.4) has been observed previously in individuals affected with Neuroaxonal Dystrophy (Paisán et al, 2012). Experimental studies reveal damaging effect (Davids et al, 2016). The p.R600Q variant is observed in 4/16,216 (0.0247%) alleles from individuals of African background in gnomAD Exomes and is novel (not in any individuals) in 1000 Genomes. There is a small physicochemical difference between arginine and glutamine, which is not likely to impact secondary protein structure as these residues share similar properties. The p.R600Q missense variant is predicted to be damaging by both SIFT and PolyPhen2. The arginine residue at codon 600 of PLA2G6 is conserved in all mammalian species. The nucleotide c.1799 in PLA2G6 is predicted conserved by GERP++ and PhyloP across 100 vertebrates. For these reasons, this variant has been classified as Pathogenic.

PreventionGenetics, part of Exact Sciences
Classification: Likely pathogenic for PLA2G6-related condition. Last evaluated: 2024-02-15. Review status: no assertion criteria provided. Collection method: clinical testing. Allele origin: germline. Not counted in ClinVar's aggregate classification.
Comment: The PLA2G6 c.1799G>A variant is predicted to result in the amino acid substitution p.Arg600Gln. This variant has been reported in the compound heterozygous or homozygous state in patients with features consistent with PLA2G6-associated neurodegeneration disorder (Paisan-Ruiz et al. 2012. PubMed ID: 20619503; Davids et al. 2016. PubMed ID: 26668131; Bhardwaj et al. 2021. PubMed ID: 34272103). Another missense variant (c.1798C>T, p. Arg600Trp), which affects the same amino acid, has also been reported to be causative for PLA2G6-associated neurodegeneration with infantile and atypical childhood-onset (Illingworth et al. 2014. PubMed ID: 24745848). This variant is reported in 0.024% of alleles in individuals of African descent in gnomAD. This variant is interpreted as likely pathogenic.

Literature cited by the submitters: PubMed 20619503 (cited by 5 submitters); PubMed 26668131 (cited by 5 submitters); PubMed 33619735 (cited by Labcorp Genetics (formerly Invitae), Labcorp and Women's Health and Genetics/Laboratory Corporation of America, LabCorp); PubMed 24745848 (cited by 3billion and Johns Hopkins Genomics, Johns Hopkins University); PubMed 34272103 (cited by Women's Health and Genetics/Laboratory Corporation of America, LabCorp); PubMed 2668131 (cited by Ambry Genetics); PubMed 34168672 (cited by Ambry Genetics); PubMed 18443314 (cited by Johns Hopkins Genomics, Johns Hopkins University); PubMed 20301718 (cited by Johns Hopkins Genomics, Johns Hopkins University); PubMed 29472584 (cited by Johns Hopkins Genomics, Johns Hopkins University); PubMed 30619057 (cited by Johns Hopkins Genomics, Johns Hopkins University).